The following is an entry in ClinVar:

NM_001291303.3(FAT4):c.9988G>T (p.Gly3330Cys)

Gene: FAT4 (FAT atypical cadherin 4; plus strand). Cytogenetic location: 4q28.1.
Variant type: single nucleotide variant.
Coding change: c.9988G>T on transcript NM_001291303.3 (MANE Select); coding-DNA position 9988, G replaced by T.
Protein change: p.Gly3330Cys; replaces glycine 3330 with cysteine.
Molecular consequence: missense variant.
Genome position (GRCh38, 1-based): chr4:125,450,998, G>T. VCF-style: chr4-125450998-G-T. GRCh37 (hg19) VCF-style: chr4-126372153-G-T.
Other names: c.9988G>T, p.Gly3330Cys (NM_001291285.3); c.9982G>T, p.Gly3328Cys (NM_024582.6); c.9982G>T (NM_024582.5); short protein forms G3328C, G3330C.
Identifiers: ClinVar variation 1945837 (VCV001945837.6), dbSNP rs201537209, ClinGen allele CA3073613.
Genomic context (GRCh38, chr4:125,450,998, plus strand): 5'-TCAGAAGCAGCTCCTAAAGGTACTATTGTTGGAGAAGTGTTTGCTAGCGACCGTGATTTG[G>T]GCACTGATGGGGAGGTACACTATTTGATTTTTGGTAATAGTCGAAAGAAGGGTTTCCAGA-3'
Protein context (NP_001278232.1, residues 3320-3340): GEVFASDRDL[Gly3330Cys]TDGEVHYLIF

ClinVar aggregate classification (germline): Uncertain significance. Review status: criteria provided, multiple submitters, no conflicts (2 of 4 stars). 2 submissions from 2 submitters: Uncertain significance (2). Last evaluated 2024-03-12.

Conditions:
Van Maldergem syndrome 2 (VMLDS2). Identifiers: Orphanet 314679, MedGen C3809875, MONDO:0014242, OMIM 615546.
Hennekam lymphangiectasia-lymphedema syndrome 2 (HKLLS2). Identifiers: Orphanet 2136, MedGen C4014939, MONDO:0014454, OMIM 616006.

Allele frequency attached by ClinVar (database versions not stated): gnomAD 0.00001; gnomAD exomes 0.00001; ExAC 0.00002; TOPMed 0.00002; 1000 Genomes Project 0.00020; 1000 Genomes Project 30x 0.00031.
gnomAD v4.1: 12 of 1,614,104 alleles (0.00074%); highest among the groups gnomAD compares: East Asian, 0.02%; no homozygotes.

Submissions (2):

Fulgent Genetics
Classification: Uncertain significance for Van Maldergem syndrome 2; Hennekam lymphangiectasia-lymphedema syndrome 2. Last evaluated: 2024-03-12. Review status: criteria provided, single submitter. Criteria: ACMG Guidelines, 2015. Collection method: clinical testing. Allele origin: germline.

Labcorp Genetics (formerly Invitae), Labcorp
Classification: Uncertain significance. Last evaluated: 2024-01-25. Review status: criteria provided, single submitter. Criteria: Invitae Variant Classification Sherloc (09022015). Collection method: clinical testing. Allele origin: germline.
Comment: This sequence change replaces glycine, which is neutral and non-polar, with cysteine, which is neutral and slightly polar, at codon 3328 of the FAT4 protein (p.Gly3328Cys). This variant is present in population databases (rs201537209, gnomAD 0.05%). This variant has not been reported in the literature in individuals affected with FAT4-related conditions. ClinVar contains an entry for this variant (Variation ID: 1945837). Advanced modeling of protein sequence and biophysical properties (such as structural, functional, and spatial information, amino acid conservation, physicochemical variation, residue mobility, and thermodynamic stability) has been performed at Invitae for this missense variant, however the output from this modeling did not meet the statistical confidence thresholds required to predict the impact of this variant on FAT4 protein function. In summary, the available evidence is currently insufficient to determine the role of this variant in disease. Therefore, it has been classified as a Variant of Uncertain Significance.